The following is an entry in ClinVar:

ClinVar aggregate classification (germline): Conflicting classifications of pathogenicity. Review status: criteria provided, conflicting classifications (1 of 4 stars). 7 submissions from 7 submitters: Uncertain significance (3); Benign (1); Likely benign (1). 2 of the submissions do not count toward it. Last evaluated 2026-01-18.

Conditions:
RECQL4-related disorder. Also called: RECQL4-related condition; RECQL4-related disorders.
Rothmund-Thomson syndrome type 2 (RTS2). Identifiers: Orphanet 221016, MedGen C5203410, MONDO:0016369, OMIM 268400.
Hereditary cancer-predisposing syndrome. Also called: Tumor predisposition; Hereditary neoplastic syndrome; Neoplastic Syndromes, Hereditary; Hereditary Cancer Syndrome. Identifiers: Orphanet 140162, MedGen C0027672, MeSH D009386, MONDO:0015356.
Baller-Gerold syndrome (BGS). Also called: CRANIOSYNOSTOSIS WITH RADIAL DEFECTS. Identifiers: Orphanet 1225, MedGen C0265308, MONDO:0009039, OMIM 218600.

Allele frequency attached by ClinVar (database versions not stated): gnomAD exomes 0.00014 and 0.00021; gnomAD 0.00015 and 0.00016; 1000 Genomes Project 30x 0.00016; TOPMed 0.00019; 1000 Genomes Project 0.00020; ExAC 0.00022; ESP Exome Variant Server 0.00025.
gnomAD v4.1: 225 of 1,555,340 alleles (0.014%); highest among the groups gnomAD compares: Admixed American, 0.022%; 2 homozygotes.

Submissions (7):

Labcorp Genetics (formerly Invitae), Labcorp
Classification: Benign for Baller-Gerold syndrome. Last evaluated: 2026-01-18. Review status: criteria provided, single submitter. Criteria: Invitae Variant Classification Sherloc (09022015). Collection method: clinical testing. Allele origin: germline.

Blueprint Genetics
Classification: Uncertain significance. Last evaluated: 2024-10-23. Review status: criteria provided, single submitter. Criteria: ACMG Guidelines, 2015. Collection method: clinical testing. Allele origin: germline.

St. Jude Molecular Pathology, St. Jude Children's Research Hospital
Classification: Uncertain significance for Rothmund-Thomson syndrome type 2. Last evaluated: 2024-05-17. Review status: criteria provided, single submitter. Criteria: St. Jude Assertion Criteria 2020. Collection method: clinical testing. Allele origin: germline.
Comment: The RECQL4 c.2467G>A (p.Glu823Lys) missense change has a maximum subpopulation frequency of 0.032% in gnomAD v2.1.1. In silico tools predict a benign effect of this variant on protein function, but to our knowledge functional studies have not been performed. To our knowledge, this variant has not been reported in individuals with RECQL4-associated conditions. In summary, the evidence currently available is insufficient to determine the clinical significance of this variant. It has therefore been classified as of uncertain significance.

Genetic Services Laboratory, University of Chicago
Classification: Uncertain significance. Last evaluated: 2021-08-09. Review status: criteria provided, single submitter. Criteria: ACMG Guidelines, 2015. Collection method: clinical testing. Allele origin: germline. Affected: no.
Comment: DNA sequence analysis of the RECQL4 gene demonstrated a sequence change, c.2467G>A, in exon 15 that results in an amino acid change, p.Glu823Lys. This sequence change has been described in the gnomAD database with a frequency of 0.25% in the Ashkenazi Jewish subpopulation (dbSNP rs368611522). The p.Glu823Lys change affects a moderately conserved amino acid residue located in a domain of the RECQL4 protein that is not known to be functional. The p.Glu823Lys substitution appears to be benign using several in-silico pathogenicity prediction tools (SIFT, PolyPhen2, Align GVGD). This sequence change does not appear to have been previously described in individuals with RECQL4-related disorders. Due to insufficient evidences and the lack of functional studies, the clinical significance of the p.Glu823Lys change remains unknown at this time.

Sema4
Classification: Likely benign for Hereditary cancer-predisposing syndrome. Last evaluated: 2021-06-23. Review status: criteria provided, single submitter. Criteria: Sema4 Curation Guidelines. Collection method: curation. Allele origin: germline.

PreventionGenetics, part of Exact Sciences
Classification: Uncertain significance for RECQL4-related condition. Last evaluated: 2024-08-20. Review status: no assertion criteria provided. Collection method: clinical testing. Allele origin: germline. Not counted in ClinVar's aggregate classification.
Comment: The RECQL4 c.2467G>A variant is predicted to result in the amino acid substitution p.Glu823Lys. This variant was identified in a healthy individual in a study of cancer susceptibility genes (Table S1. Bodian et al. 2014. PubMed ID: 24728327). This variant is reported in 0.25% of alleles in individuals of Ashkenazi Jewish descent in gnomAD, including one homozygote. This variant is listed in ClinVar with conflicting interpretations of uncertain, likely benign, and benign. Although we suspect that this variant may be benign, at this time, the clinical significance of this variant is uncertain due to the absence of conclusive functional and genetic evidence.

ITMI
No classification provided. Condition: AllHighlyPenetrant. Last evaluated: 2013-09-19. Review status: no classification provided. Collection method: reference population. Allele origin: germline. Not counted in ClinVar's aggregate classification.
Comment: Please see associated publication for description of ethnicities

Literature cited by the submitters: PubMed 24728327 (cited by Sema4 and ITMI).

NM_004260.4(RECQL4):c.2467G>A (p.Glu823Lys)

Gene: RECQL4 (RecQ like helicase 4; minus strand). Cytogenetic location: 8q24.3.
Variant type: single nucleotide variant.
Coding change: c.2467G>A on transcript NM_004260.4 (MANE Select); coding-DNA position 2467, G replaced by A.
Protein change: p.Glu823Lys; replaces glutamic acid 823 with lysine.
Molecular consequence: missense variant.
Genome position (GRCh38, 1-based): chr8:144,513,135, C>T on the plus strand (G>A on the coding strand, the complement: RECQL4 is on the minus strand). VCF-style: chr8-144513135-C-T. GRCh37 (hg19) VCF-style: chr8-145738518-C-T.
Other names: short protein forms E823K.
Identifiers: ClinVar variation 135141 (VCV000135141.18), dbSNP rs368611522, ClinGen allele CA161839.